The following is an entry in ClinVar:

ClinVar aggregate classification (germline): Uncertain significance. Review status: criteria provided, multiple submitters, no conflicts (2 of 4 stars). 2 submissions from 2 submitters: Uncertain significance (2). Last evaluated 2026-01-10.

Conditions:
Hypertrophic cardiomyopathy 13. Also called: TNNC1-Related Familial Hypertrophic Cardiomyopathy. Identifiers: MedGen C2750472, MONDO:0013195, OMIM 613243.
Dilated cardiomyopathy 1Z (CMD1Z). Identifiers: Orphanet 154, MedGen C2678475, MONDO:0012745, OMIM 611879.
Cardiovascular phenotype. Identifiers: MedGen CN230736.

Submissions (2):

Labcorp Genetics (formerly Invitae), Labcorp
Classification: Uncertain significance for Hypertrophic cardiomyopathy 13; Dilated cardiomyopathy 1Z. Last evaluated: 2026-01-10. Review status: criteria provided, single submitter. Criteria: Invitae Variant Classification Sherloc (09022015). Collection method: clinical testing. Allele origin: germline.
Comment: This sequence change replaces methionine, which is neutral and non-polar, with leucine, which is neutral and non-polar, at codon 81 of the TNNC1 protein (p.Met81Leu). This variant is not present in population databases (gnomAD no frequency). This missense change has been observed in individual(s) with dilated cardiomyopathy (PMID: 32969603). ClinVar contains an entry for this variant (Variation ID: 1790989). An algorithm developed to predict the effect of missense changes on protein structure and function (PolyPhen-2) suggests that this variant is likely to be disruptive. In summary, the available evidence is currently insufficient to determine the role of this variant in disease. Therefore, it has been classified as a Variant of Uncertain Significance.

Ambry Genetics
Classification: Uncertain significance for Cardiovascular phenotype. Last evaluated: 2022-03-14. Review status: criteria provided, single submitter. Criteria: Ambry Variant Classification Scheme 2023. Collection method: clinical testing. Allele origin: germline.
Comment: The p.M81L variant (also known as c.241A>T), located in coding exon 4 of the TNNC1 gene, results from an A to T substitution at nucleotide position 241. The methionine at codon 81 is replaced by leucine, an amino acid with highly similar properties. This variant was reported in one individual with idiopathic dilated cardiomyopathy (DCM); however, clinical details were limited (Carnevale A et al. Mol Genet Genomic Med, 2020 11;8:e1504). This amino acid position is highly conserved in available vertebrate species. In addition, this alteration is predicted to be deleterious by in silico analysis. Since supporting evidence is limited at this time, the clinical significance of this alteration remains unclear.

Literature cited by the submitters: PubMed 32969603 (cited by Labcorp Genetics (formerly Invitae), Labcorp and Ambry Genetics).

NM_003280.3(TNNC1):c.241A>T (p.Met81Leu)

Gene: TNNC1 (troponin C1, slow skeletal and cardiac type; minus strand). Cytogenetic location: 3p21.1.
Variant type: single nucleotide variant.
Coding change: c.241A>T on transcript NM_003280.3 (MANE Select); coding-DNA position 241, A replaced by T.
Protein change: p.Met81Leu; replaces methionine 81 with leucine.
Molecular consequence: missense variant.
Genome position (GRCh38, 1-based): chr3:52,451,820, T>A on the plus strand (A>T on the coding strand, the complement: TNNC1 is on the minus strand). VCF-style: chr3-52451820-T-A. GRCh37 (hg19) VCF-style: chr3-52485836-T-A.
Other names: short protein forms M81L.
Identifiers: ClinVar variation 1790989 (VCV001790989.5), dbSNP rs2471444234, ClinGen allele CA353167425.